The following is an entry in ClinVar:

NM_004086.3(COCH):c.764T>C (p.Phe255Ser)

Genes: COCH (cochlin; plus strand), LOC100506071 (uncharacterized LOC100506071; minus strand). Cytogenetic location: 14q12.
Variant type: single nucleotide variant.
Coding change: c.764T>C on transcript NM_004086.3 (MANE Select); coding-DNA position 764, T replaced by C.
Protein change: p.Phe255Ser; replaces phenylalanine 255 with serine.
Molecular consequence: missense variant. On other transcripts: non-coding transcript variant (1).
Genome position (GRCh38, 1-based): chr14:30,885,424, T>C. VCF-style: chr14-30885424-T-C. GRCh37 (hg19) VCF-style: chr14-31354630-T-C.
Other names: c.764T>C, p.Phe255Ser (NM_001135058.2); c.959T>C, p.Phe320Ser (NM_001347720.2); short protein forms F255S, F320S.
Identifiers: ClinVar variation 450769 (VCV000450769.7), dbSNP rs1555311790, ClinGen allele CA389347440.
Genomic context (GRCh38, chr14:30,885,424, plus strand): 5'-GCTATTTGTTTGCTTCTTTTTCAAATTTAGGAAAAGCCTTGAAGCATACTGCTCAGAAAT[T>C]CTTCACGGTAGATGCTGGAGTAAGAAAAGGGATCCCCAAAGTGGTGGTGGTATTTATTGA-3'
Protein context (NP_004077.1, residues 245-265): GKALKHTAQK[Phe255Ser]FTVDAGVRKG

ClinVar aggregate classification (germline): Uncertain significance. Review status: criteria provided, multiple submitters, no conflicts (2 of 4 stars). 3 submissions from 3 submitters: Uncertain significance (3). Last evaluated 2024-07-26.

Conditions:
Inborn genetic diseases. Identifiers: MedGen C0950123, MeSH D030342.

Allele frequency attached by ClinVar (database versions not stated): gnomAD exomes below 0.00001; gnomAD 0.00001; TOPMed 0.00002.
gnomAD v4.1: 3 of 1,614,038 alleles (0.00019%); highest among the groups gnomAD compares: Admixed American, 0.0017%; no homozygotes.

Submissions (3):

Ambry Genetics
Classification: Uncertain significance for Inborn genetic diseases. Last evaluated: 2024-07-26. Review status: criteria provided, single submitter. Criteria: Ambry Variant Classification Scheme 2023. Collection method: clinical testing. Allele origin: germline.

Laboratory for Molecular Medicine, Mass General Brigham Personalized Medicine
Classification: Uncertain significance. Last evaluated: 2018-03-01. Review status: criteria provided, single submitter. Criteria: LMM Criteria. Collection method: clinical testing. Allele origin: germline. Observed: 1 variant allele.
Comment: The p.Phe255Ser variant in COCH has not been previously reported in individuals with hearing loss, was absent from large population studies, and is reported in ClinVar (Variation ID: 450769). Computational prediction tools and conservation analysis suggest that the p.Phe255Ser variant may impact the protein, though thi s information is not predictive enough to determine pathogenicity. In summary, t he clinical significance of the p.Phe255Ser variant is uncertain. ACMG/AMP Crite ria applied: PM2; PP3.

GeneDx
Classification: Uncertain significance. Last evaluated: 2017-07-21. Review status: criteria provided, single submitter. Criteria: GeneDx Variant Classification (06012015). Collection method: clinical testing. Allele origin: germline. Affected: yes.
Comment: The F255S variant in the COCH gene has not been reported previously as a pathogenic variant, nor as a benign variant, to our knowledge. The F255S variant is not observed in large population cohorts (Lek et al., 2016; 1000 Genomes Consortium et al., 2015; Exome Variant Server). The F255S variant is a non-conservative amino acid substitution, which is likely to impact secondary protein structure as these residues differ in polarity, charge, size and/or other properties. This substitution occurs at a position that is conserved in mammals and is located within the VWFA 1 domain. In silico analysis predicts this variant is probably damaging to the protein structure/function. We interpret F255S as a variant of uncertain significance.